The following is an entry in ClinVar:

NM_007373.4(SHOC2):c.103G>A (p.Gly35Arg)

Gene: SHOC2 (SHOC2 leucine rich repeat scaffold protein; plus strand). Cytogenetic location: 10q25.2.
Variant type: single nucleotide variant.
Coding change: c.103G>A on transcript NM_007373.4 (MANE Select); coding-DNA position 103, G replaced by A.
Protein change: p.Gly35Arg; replaces glycine 35 with arginine.
Molecular consequence: missense variant.
Genome position (GRCh38, 1-based): chr10:110,964,461, G>A. VCF-style: chr10-110964461-G-A. GRCh37 (hg19) VCF-style: chr10-112724219-G-A.
Other names: c.103G>A, p.Gly35Arg (NM_001269039.3, NM_001324336.2, NM_001324337.2); short protein forms G35R.
Identifiers: ClinVar variation 2770738 (VCV002770738.3), dbSNP rs751634012, ClinGen allele CA5689555.

ClinVar aggregate classification (germline): Uncertain significance (1 of 4 stars; one submission).

Conditions:
RASopathy. Also called: Noonan spectrum disorder; rasopathies. Identifiers: Orphanet 536391, MedGen C5555857, MONDO:0021060.

Allele frequency attached by ClinVar (database versions not stated): ExAC 0.00001.

Submission:

Labcorp Genetics (formerly Invitae), Labcorp
Classification: Uncertain significance for RASopathy. Last evaluated: 2025-08-17. Review status: criteria provided, single submitter. Criteria: Invitae Variant Classification Sherloc (09022015). Collection method: clinical testing. Allele origin: germline.
Comment: This sequence change replaces glycine, which is neutral and non-polar, with arginine, which is basic and polar, at codon 35 of the SHOC2 protein (p.Gly35Arg). This variant is present in population databases (rs751634012, gnomAD 0.0009%). This variant has not been reported in the literature in individuals affected with SHOC2-related conditions. ClinVar contains an entry for this variant (Variation ID: 2770738). An algorithm developed to predict the effect of missense changes on protein structure and function (PolyPhen-2) suggests that this variant is likely to be disruptive. In summary, the available evidence is currently insufficient to determine the role of this variant in disease. Therefore, it has been classified as a Variant of Uncertain Significance.